The following is an entry in ClinVar:

NM_003823.4(TNFRSF6B):c.292C>G (p.Arg98Gly)

Genes: RTEL1-TNFRSF6B (RTEL1-TNFRSF6B readthrough (NMD candidate); plus strand), TNFRSF6B (TNF receptor superfamily member 6b; plus strand). Cytogenetic location: 20q13.33.
Variant type: single nucleotide variant.
Coding change: c.292C>G on transcript NM_003823.4 (MANE Select); coding-DNA position 292, C replaced by G.
Protein change: p.Arg98Gly; replaces arginine 98 with glycine.
Molecular consequence: missense variant. On other transcripts: non-coding transcript variant (1).
Genome position (GRCh38, 1-based): chr20:63,697,059, C>G. VCF-style: chr20-63697059-C-G. GRCh37 (hg19) VCF-style: chr20-62328412-C-G.
Other names: short protein forms R98G.
Identifiers: ClinVar variation 2472374 (VCV002472374.6), dbSNP rs759307450, ClinGen allele CA9966399.
Genomic context (GRCh38, chr20:63,697,059, plus strand): 5'-TACACGCAGTTCTGGAACTACCTAGAGCGCTGCCGCTACTGCAACGTCCTCTGCGGGGAG[C>G]GTGAGGAGGAGGCACGGGCTTGCCACGCCACCCACAACCGTGCCTGCCGCTGCCGCACCG-3'
Protein context (NP_003814.1, residues 88-108): CRYCNVLCGE[Arg98Gly]EEEARACHAT

ClinVar aggregate classification (germline): Uncertain significance. Review status: criteria provided, multiple submitters, no conflicts (2 of 4 stars). 2 submissions from 2 submitters: Uncertain significance (2). Last evaluated 2025-10-07.

Submissions (2):

Ambry Genetics
Classification: Uncertain significance. Last evaluated: 2025-10-07. Review status: criteria provided, single submitter. Criteria: Ambry Variant Classification Scheme 2023. Collection method: clinical testing. Allele origin: germline.

Labcorp Genetics (formerly Invitae), Labcorp
Classification: Uncertain significance. Last evaluated: 2025-09-21. Review status: criteria provided, single submitter. Criteria: Invitae Variant Classification Sherloc (09022015). Collection method: clinical testing. Allele origin: germline.
Comment: This sequence change replaces arginine, which is basic and polar, with glycine, which is neutral and non-polar, at codon 98 of the TNFRSF6B protein (p.Arg98Gly). This variant is present in population databases (rs759307450, gnomAD 0.003%). This variant has not been reported in the literature in individuals affected with TNFRSF6B-related conditions. ClinVar contains an entry for this variant (Variation ID: 2472374). An algorithm developed to predict the effect of missense changes on protein structure and function (PolyPhen-2) suggests that this variant is likely to be tolerated. In summary, the available evidence is currently insufficient to determine the role of this variant in disease. Therefore, it has been classified as a Variant of Uncertain Significance.